The following is an entry in ClinVar:

NM_024642.5(GALNT12):c.1472C>A (p.Thr491Lys)

Gene: GALNT12 (polypeptide N-acetylgalactosaminyltransferase 12; plus strand). Cytogenetic location: 9q22.33.
Variant type: single nucleotide variant.
Coding change: c.1472C>A on transcript NM_024642.5 (MANE Select); coding-DNA position 1472, C replaced by A.
Protein change: p.Thr491Lys; replaces threonine 491 with lysine.
Molecular consequence: missense variant.
Genome position (GRCh38, 1-based): chr9:98,845,990, C>A. VCF-style: chr9-98845990-C-A. GRCh37 (hg19) VCF-style: chr9-101608272-C-A.
Other names: short protein forms T491K.
Identifiers: ClinVar variation 1773382 (VCV001773382.3), dbSNP rs267606840, ClinGen allele CA196832584.
Genomic context (GRCh38, chr9:98,845,990, plus strand): 5'-ACATCAGTGGAAAATGTTGTGTTACATGTTGGCTGCCCCATTTTTAGTTTTTCGAGTACA[C>A]GTCCCAGAAAGAAATACGCTATAACACCCACCAGCCTGAGGGCTGCATTGCTGTGGAAGC-3'
Protein context (NP_078918.3, residues 481-501): GMGQNQFFEY[Thr491Lys]SQKEIRYNTH

ClinVar aggregate classification (germline): Uncertain significance (1 of 4 stars; one submission).

Submission:

Ambry Genetics
Classification: Uncertain significance. Last evaluated: 2024-08-21. Review status: criteria provided, single submitter. Criteria: Ambry Variant Classification Scheme 2023. Collection method: clinical testing. Allele origin: germline.
Comment: The p.T491K variant (also known as c.1472C>A), located in coding exon 9 of the GALNT12 gene, results from a C to A substitution at nucleotide position 1472. The threonine at codon 491 is replaced by lysine, an amino acid with similar properties. This amino acid position is well conserved in available vertebrate species. In addition, this alteration is predicted to be deleterious by in silico analysis. The evidence for this gene-disease relationship is limited; therefore, the clinical significance of this alteration is unclear.